The following is an entry in ClinVar:

ClinVar aggregate classification (germline): Uncertain significance (1 of 4 stars; one submission).

Submission:

Labcorp Genetics (formerly Invitae), Labcorp
Classification: Uncertain significance. Last evaluated: 2022-10-24. Review status: criteria provided, single submitter. Criteria: Invitae Variant Classification Sherloc (09022015). Collection method: clinical testing. Allele origin: germline.
Comment: This sequence change replaces arginine, which is basic and polar, with serine, which is neutral and polar, at codon 644 of the LRP2 protein (p.Arg644Ser). This variant is not present in population databases (gnomAD no frequency). This variant has not been reported in the literature in individuals affected with LRP2-related conditions. Advanced modeling of protein sequence and biophysical properties (such as structural, functional, and spatial information, amino acid conservation, physicochemical variation, residue mobility, and thermodynamic stability) performed at Invitae indicates that this missense variant is not expected to disrupt LRP2 protein function. In summary, the available evidence is currently insufficient to determine the role of this variant in disease. Therefore, it has been classified as a Variant of Uncertain Significance.

NM_004525.3(LRP2):c.1932G>C (p.Arg644Ser)

Gene: LRP2 (LDL receptor related protein 2; minus strand). Cytogenetic location: 2q31.1.
Variant type: single nucleotide variant.
Coding change: c.1932G>C on transcript NM_004525.3 (MANE Select); coding-DNA position 1932, G replaced by C.
Protein change: p.Arg644Ser; replaces arginine 644 with serine.
Molecular consequence: missense variant.
Genome position (GRCh38, 1-based): chr2:169,275,079, C>G on the plus strand (G>C on the coding strand, the complement: LRP2 is on the minus strand). VCF-style: chr2-169275079-C-G. GRCh37 (hg19) VCF-style: chr2-170131589-C-G.
Other names: short protein forms R644S.
Identifiers: ClinVar variation 1966329 (VCV001966329.4), dbSNP rs377332381, ClinGen allele CA59925467.